The following is an entry in ClinVar:

NM_000112.4(SLC26A2):c.*2873C>T

Gene: SLC26A2 (solute carrier family 26 member 2; plus strand). Cytogenetic location: 5q32.
Variant type: single nucleotide variant.
Coding change: c.*2873C>T on transcript NM_000112.4 (MANE Select); 2873 bases downstream of the stop codon, C replaced by T.
Molecular consequence: 3 prime UTR variant.
Genome position (GRCh38, 1-based): chr5:149,984,686, C>T. VCF-style: chr5-149984686-C-T. GRCh37 (hg19) VCF-style: chr5-149364249-C-T.
Identifiers: ClinVar variation 905337 (VCV000905337.4), dbSNP rs114919633, ClinGen allele CA129085694.

ClinVar aggregate classification (germline): Conflicting classifications of pathogenicity. Review status: criteria provided, conflicting classifications (1 of 4 stars). 5 submissions from 1 submitter: Uncertain significance (2); Likely benign (3). Last evaluated 2018-01-13.

Conditions:
Sulfate transporter-related osteochondrodysplasia. Also called: DTDST-related dysplasias. Identifiers: MedGen CN120497. Disease mechanism: loss of function.
Achondrogenesis, type IB (ACG1B). Also called: Achondrogenesis Type 1B. Identifiers: Orphanet 932, Orphanet 93298, MedGen C0265274, MONDO:0010966, OMIM 600972.
Multiple epiphyseal dysplasia type 4 (EDM4). Also called: SLC26A2-Related Multiple Epiphyseal Dysplasia; MULTIPLE EPIPHYSEAL DYSPLASIA WITH BILAYERED PATELLAE; MULTIPLE EPIPHYSEAL DYSPLASIA WITH CLUBFOOT; MULTIPLE EPIPHYSEAL DYSPLASIA, AUTOSOMAL RECESSIVE; Multiple Epiphyseal Dysplasia, Recessive. Identifiers: Orphanet 93307, MedGen C1847593, MONDO:0009189, OMIM 226900.
Atelosteogenesis type II (AO2). Also called: Neonatal osseous dysplasia 1; NEONATAL OSSEOUS DYSPLASIA I; SLC26A2-Related Atelosteogenesis. Identifiers: Orphanet 56304, MedGen C1850554, MONDO:0009727, OMIM 256050.
Diastrophic dysplasia (DTD). Also called: Diastrophic dwarfism. Identifiers: Orphanet 628, MedGen C0220726, MONDO:0009107, OMIM 222600.

Allele frequency attached by ClinVar (database versions not stated): 1000 Genomes Project 0.00539; 1000 Genomes Project 30x 0.00578; gnomAD 0.00906 and 0.00970; TOPMed 0.01013; gnomAD exomes 0.16667.
gnomAD v4.1: 1,474 of 152,272 alleles (0.97%); highest among the groups gnomAD compares: Middle Eastern, 3.7%; 17 homozygotes.

Submissions (5):

Illumina Laboratory Services, Illumina
Classification: Likely benign for Diastrophic dysplasia. Last evaluated: 2018-01-13. Review status: criteria provided, single submitter. Criteria: ICSL Variant Classification Criteria 13 December 2019. Collection method: clinical testing. Allele origin: germline.
Comment: This variant was observed in the ICSL laboratory as part of a predisposition screen in an ostensibly healthy population. It had not been previously curated by ICSL or reported in the Human Gene Mutation Database (HGMD: prior to June 1st, 2018), and was therefore a candidate for classification through an automated scoring system. Utilizing variant allele frequency, disease prevalence and penetrance estimates, and inheritance mode, an automated score was calculated to assess if this variant is too frequent to cause the disease. Based on the score and internal cut-off values, a variant classified as likely benign is not then subjected to further curation. The score for this variant resulted in a classification of likely benign for this disease.

Illumina Laboratory Services, Illumina
Classification: Uncertain significance for Multiple epiphyseal dysplasia type 4. Last evaluated: 2018-01-13. Review status: criteria provided, single submitter. Criteria: ICSL Variant Classification Criteria 13 December 2019. Collection method: clinical testing. Allele origin: germline.

Illumina Laboratory Services, Illumina
Classification: Likely benign for Achondrogenesis, type IB. Last evaluated: 2018-01-13. Review status: criteria provided, single submitter. Criteria: ICSL Variant Classification Criteria 13 December 2019. Collection method: clinical testing. Allele origin: germline.
Comment: the same text as in the submission from Illumina Laboratory Services, Illumina above.

Illumina Laboratory Services, Illumina
Classification: Uncertain significance for Osteochondrodysplasia. Last evaluated: 2018-01-13. Review status: criteria provided, single submitter. Criteria: ICSL Variant Classification Criteria 13 December 2019. Collection method: clinical testing. Allele origin: germline.

Illumina Laboratory Services, Illumina
Classification: Likely benign for Atelosteogenesis type II. Last evaluated: 2018-01-13. Review status: criteria provided, single submitter. Criteria: ICSL Variant Classification Criteria 13 December 2019. Collection method: clinical testing. Allele origin: germline.
Comment: the same text as in the submission from Illumina Laboratory Services, Illumina above.